The following is an entry in ClinVar:

ClinVar aggregate classification (germline): Pathogenic/Likely pathogenic. Review status: criteria provided, multiple submitters, no conflicts (2 of 4 stars). 6 submissions from 6 submitters: Pathogenic (4); Likely pathogenic (2). Last evaluated 2026-01-09.

Conditions:
MMACHC-related disorder. Also called: MMACHC-related condition.
Cobalamin C disease. Also called: methylmalonic aciduria and homocystinuria type cblC; Cobalamin-C methylmalonic acidemia and homocystinuria; Methylmalonic acidemia and homocystinuria cblC type; Methylmalonic aciduria and homocystinuria, Vitamin B12-responsive; Vitamin B12 metabolic defect with combined deficiency of methylmalonyl-CoA mutase and homocysteine:methyltetrahydrofolate methyltransferase; Methylmalonic aciduria with homocystinuria cblC type. Identifiers: Orphanet 26, Orphanet 79282, MedGen C1848561, MONDO:0010184, OMIM 277400.

Allele frequency attached by ClinVar (database versions not stated): TOPMed 0.00004; 1000 Genomes Project 30x 0.00016; 1000 Genomes Project 0.00020.
gnomAD v4.1: 16 of 1,614,192 alleles (0.00099%); highest among the groups gnomAD compares: East Asian, 0.013%; no homozygotes.

Submissions (6):

Natera, Inc.
Classification: Pathogenic for Methylmalonic aciduria and homocystinuria cblC type. Last evaluated: 2026-01-09. Review status: criteria provided, single submitter. Criteria: Natera Variant Classification Schema (03/2026). Collection method: clinical testing. Allele origin: germline.
Comment: The c.565C>T variant in MMACHC is a missense variant predicted to cause substitution of arginine to cysteine at amino acid 189. This variant is rare in the general population with a frequency below the threshold expected for the associated phenotype(s). This variant has been observed in one or more individuals affected with the associated recessive disease, as either homozygous or compound heterozygous with a second variant (PMID: 30157807, 31279840). A different variant at the same position has been determined to be Pathogenic or Likely Pathogenic. Computational prediction algorithms indicate this variant is likely to affect gene or protein function. Given the available evidence, this variant is classified as Pathogenic.

Women's Health and Genetics/Laboratory Corporation of America, LabCorp
Classification: Pathogenic for Cobalamin C disease. Last evaluated: 2025-12-09. Review status: criteria provided, single submitter. Criteria: LabCorp Variant Classification Summary - May 2015. Collection method: clinical testing. Allele origin: germline.
Comment: Variant summary: MMACHC c.565C>T (p.Arg189Cys) results in a non-conservative amino acid change in the encoded protein sequence. Algorithms developed to predict the effect of missense changes on protein structure and function all suggest that this variant is likely to be disruptive. The variant allele was found at a frequency of 1.2e-05 in 249562 control chromosomes. c.565C>T has been observed in trans with a second variant in at least 1 individual(s) affected with Methylmalonic Acidemia With Homocystinuria (example, Wang_2019). At least 2 different variants affecting the same codon have been classified as likely pathogenic/pathogenic by our lab (c.565C>A, p.Arg189Ser and c.566G>A, p.Arg189His), supporting the critical relevance of codon 189 to MMACHC protein function. The following publication has been ascertained in the context of this evaluation (PMID: 31279840). ClinVar contains an entry for this variant (Variation ID: 876445). Based on the evidence outlined above, the variant was classified as pathogenic.

CeGaT Center for Human Genetics Tuebingen
Classification: Likely pathogenic. Last evaluated: 2025-10-01. Review status: criteria provided, single submitter. Criteria: CeGaT Center For Human Genetics Tuebingen Variant Classification Criteria Version 2. Collection method: clinical testing. Allele origin: germline. Affected: yes. Observed: 1 variant allele.
Comment: MMACHC: PM1, PM2, PM3, PM5

Labcorp Genetics (formerly Invitae), Labcorp
Classification: Pathogenic for Cobalamin C disease. Last evaluated: 2024-03-13. Review status: criteria provided, single submitter. Criteria: Invitae Variant Classification Sherloc (09022015). Collection method: clinical testing. Allele origin: germline.
Comment: This sequence change replaces arginine, which is basic and polar, with cysteine, which is neutral and slightly polar, at codon 189 of the MMACHC protein (p.Arg189Cys). This variant is present in population databases (rs200895671, gnomAD 0.01%). This missense change has been observed in individual(s) with cobalamin C disease (PMID: 31279840). In at least one individual the data is consistent with being in trans (on the opposite chromosome) from a pathogenic variant. ClinVar contains an entry for this variant (Variation ID: 876445). Advanced modeling of protein sequence and biophysical properties (such as structural, functional, and spatial information, amino acid conservation, physicochemical variation, residue mobility, and thermodynamic stability) has been performed at Invitae for this missense variant, however the output from this modeling did not meet the statistical confidence thresholds required to predict the impact of this variant on MMACHC protein function. This variant disrupts the p.Arg189 amino acid residue in MMACHC. Other variant(s) that disrupt this residue have been determined to be pathogenic (PMID: 18164228, 18245139, 29294253). This suggests that this residue is clinically significant, and that variants that disrupt this residue are likely to be disease-causing. For these reasons, this variant has been classified as Pathogenic.

Blueprint Genetics
Classification: Likely pathogenic for MMACHC-related disorders. Last evaluated: 2023-10-11. Review status: criteria provided, single submitter. Criteria: ACMG Guidelines, 2015. Collection method: clinical testing. Allele origin: germline. Affected: yes. Observed: 4 variant alleles.

Juno Genomics, Hangzhou Juno Genomics, Inc
Classification: Pathogenic for Cobalamin C disease. Review status: criteria provided, single submitter. Criteria: ACMG Guidelines, 2015. Collection method: clinical testing. Allele origin: germline.
Comment: Absent from controls (or at extremely low frequency if recessive) in Genome Aggregation Database.;Multiple lines of computational evidence support a deleterious effect on the gene or gene product.;For recessive disorders, detected in trans with a pathogenic variant.;Patient's phenotype or family history is highly specific for a disease with a single genetic etiology.;Novel missense change at an amino acid residue where a different missense change determined to be pathogenic has been seen before.

Literature cited by the submitters: PubMed 30157807 (cited by Natera, Inc.); PubMed 31279840 (cited by 3 submitters); PubMed 18164228 (cited by Labcorp Genetics (formerly Invitae), Labcorp); PubMed 18245139 (cited by Labcorp Genetics (formerly Invitae), Labcorp); PubMed 29294253 (cited by Labcorp Genetics (formerly Invitae), Labcorp).

NM_015506.3(MMACHC):c.565C>T (p.Arg189Cys)

Gene: MMACHC (metabolism of cobalamin associated C; plus strand). Cytogenetic location: 1p34.1.
Variant type: single nucleotide variant.
Coding change: c.565C>T on transcript NM_015506.3 (MANE Select); coding-DNA position 565, C replaced by T.
Protein change: p.Arg189Cys; replaces arginine 189 with cysteine.
Molecular consequence: missense variant.
Genome position (GRCh38, 1-based): chr1:45,508,931, C>T. VCF-style: chr1-45508931-C-T. GRCh37 (hg19) VCF-style: chr1-45974603-C-T.
Other names: c.394C>T, p.Arg132Cys (NM_001330540.2); short protein forms R132C, R189C.
Identifiers: ClinVar variation 876445 (VCV000876445.28), dbSNP rs200895671, ClinGen allele CA827792.
Genomic context (GRCh38, chr1:45,508,931, plus strand): 5'-ATAGAGGTGCCAGATCTGCCACCCAGAAAACCTCATGACTGTGTACCTACAAGAGCTGAC[C>T]GTATCGCCCTACTCGAAGGCTTCAATTTCCACTGGCGTGATTGGACTTACCGGGATGCTG-3'
Protein context (NP_056321.2, residues 179-199): PHDCVPTRAD[Arg189Cys]IALLEGFNFH